The following is an entry in ClinVar:

ClinVar aggregate classification (germline): Uncertain significance (1 of 4 stars; one submission).

gnomAD v4.1: 3 of 1,613,974 alleles (0.00019%); highest among the groups gnomAD compares: African/African-American, 0.004%; no homozygotes.

Submission:

Labcorp Genetics (formerly Invitae), Labcorp
Classification: Uncertain significance. Last evaluated: 2022-07-05. Review status: criteria provided, single submitter. Criteria: Invitae Variant Classification Sherloc (09022015). Collection method: clinical testing. Allele origin: germline.
Comment: This sequence change replaces proline, which is neutral and non-polar, with arginine, which is basic and polar, at codon 129 of the SLC26A3 protein (p.Pro129Arg). This variant is present in population databases (rs386833480, gnomAD 0.007%). This variant has not been reported in the literature in individuals affected with SLC26A3-related conditions. ClinVar contains an entry for this variant (Variation ID: 1450635). Algorithms developed to predict the effect of missense changes on protein structure and function are either unavailable or do not agree on the potential impact of this missense change (SIFT: "Deleterious"; PolyPhen-2: "Probably Damaging"; Align-GVGD: "Class C0"). In summary, the available evidence is currently insufficient to determine the role of this variant in disease. Therefore, it has been classified as a Variant of Uncertain Significance.

NM_000111.3(SLC26A3):c.386C>G (p.Pro129Arg)

Gene: SLC26A3 (solute carrier family 26 member 3; minus strand). Cytogenetic location: 7q22.3.
Variant type: single nucleotide variant.
Coding change: c.386C>G on transcript NM_000111.3 (MANE Select); coding-DNA position 386, C replaced by G.
Protein change: p.Pro129Arg; replaces proline 129 with arginine.
Molecular consequence: missense variant.
Genome position (GRCh38, 1-based): chr7:107,791,232, G>C on the plus strand (C>G on the coding strand, the complement: SLC26A3 is on the minus strand). VCF-style: chr7-107791232-G-C. GRCh37 (hg19) VCF-style: chr7-107431677-G-C.
Other names: short protein forms P129R.
Identifiers: ClinVar variation 1450635 (VCV001450635.9), dbSNP rs386833480, ClinGen allele CA4434134.